The following is an entry in ClinVar:

ClinVar aggregate classification (germline): Uncertain significance (1 of 4 stars; one submission).

Conditions:
Inborn genetic diseases. Identifiers: MedGen C0950123, MeSH D030342.

Allele frequency attached by ClinVar (database versions not stated): ExAC 0.00001; gnomAD exomes 0.00001; gnomAD 0.00003; TOPMed 0.00004.
gnomAD v4.1: 11 of 1,613,534 alleles (0.00068%); highest among the groups gnomAD compares: African/African-American, 0.0093%; no homozygotes.

Submission:

Ambry Genetics
Classification: Uncertain significance for Inborn genetic diseases. Last evaluated: 2023-02-18. Review status: criteria provided, single submitter. Criteria: Ambry Variant Classification Scheme 2023. Collection method: clinical testing. Allele origin: germline.
Comment: The p.E1797D variant (also known as c.5391G>T), located in coding exon 37 of the LRRK2 gene, results from a G to T substitution at nucleotide position 5391. The glutamic acid at codon 1797 is replaced by aspartic acid, an amino acid with highly similar properties. This amino acid position is conserved. In addition, this alteration is predicted to be tolerated by in silico analysis. Since supporting evidence is limited at this time, the clinical significance of this alteration remains unclear.

NM_198578.4(LRRK2):c.5391G>T (p.Glu1797Asp)

Gene: LRRK2 (leucine rich repeat kinase 2; plus strand). Cytogenetic location: 12q12.
Variant type: single nucleotide variant.
Coding change: c.5391G>T on transcript NM_198578.4 (MANE Select); coding-DNA position 5391, G replaced by T.
Protein change: p.Glu1797Asp; replaces glutamic acid 1797 with aspartic acid.
Molecular consequence: missense variant.
Genome position (GRCh38, 1-based): chr12:40,322,392, G>T. VCF-style: chr12-40322392-G-T. GRCh37 (hg19) VCF-style: chr12-40716194-G-T.
Other names: short protein forms E1797D.
Identifiers: ClinVar variation 2322156 (VCV002322156.2), dbSNP rs778789162, ClinGen allele CA6514437.
Genomic context (GRCh38, chr12:40,322,392, plus strand): 5'-GGGCCAAGTTGTGGACCACATTGATTCTCTCATGGAAGAATGGTTTCCTGGGTTGCTGGA[G>T]ATTGATATTTGTGGTGAAGGAGAAACTCTGTTGAAGAAATGGGCATTATATAGTTTTAAT-3'
Protein context (NP_940980.4, residues 1787-1807): LMEEWFPGLL[Glu1797Asp]IDICGEGETL